The following is an entry in ClinVar:

NM_032271.3(TRAF7):c.1958G>T (p.Arg653Leu)

Gene: TRAF7 (TNF receptor associated factor 7; plus strand). Cytogenetic location: 16p13.3.
Variant type: single nucleotide variant.
Coding change: c.1958G>T on transcript NM_032271.3 (MANE Select); coding-DNA position 1958, G replaced by T.
Protein change: p.Arg653Leu; replaces arginine 653 with leucine.
Molecular consequence: missense variant.
Genome position (GRCh38, 1-based): chr16:2,176,344, G>T. VCF-style: chr16-2176344-G-T. GRCh37 (hg19) VCF-style: chr16-2226345-G-T.
Other names: short protein forms R653L.
Identifiers: ClinVar variation 2663925 (VCV002663925.2), dbSNP rs2545012659, ClinGen allele CA394336069.
Genomic context (GRCh38, chr16:2,176,344, plus strand): 5'-TGATCTGCACGCAGACCCTGCTGCGTCACCAGGGCAGTGTCACCGCGCTGGCTGTGTCCC[G>T]GGGCCGACTCTTCTCAGGGGCTGTGGATAGCACTGTGAAGGTCAGTGCCCGTGGCTCAGG-3'
Protein context (NP_115647.2, residues 643-663): QGSVTALAVS[Arg653Leu]GRLFSGAVDS

ClinVar aggregate classification (germline): Likely pathogenic. Review status: criteria provided, single submitter (1 of 4 stars). 2 submissions from 2 submitters: Likely pathogenic (1). 1 of the submissions does not count toward it. Last evaluated 2025-04-15.

Conditions:
Cardiac, facial, and digital anomalies with developmental delay. Identifiers: Orphanet 592570, MedGen C4748484, MONDO:0032572, OMIM 618164.

Submissions (2):

Institute of Immunology and Genetics Kaiserslautern
Classification: Likely pathogenic for Cardiac, facial, and digital anomalies with developmental delay. Last evaluated: 2025-04-15. Review status: criteria provided, single submitter. Criteria: ACMG Guidelines, 2015. Collection method: clinical testing. Allele origin: de novo. Affected: yes.
Comment: ACMG Criteria: PS2, PM1, PM2_P, PP5; Variant was found in heterozygous state. De novo-status was confirmed via in-house segregation analysis.

Clinical Genetics Service, Universitary Hospital 12 de Octubre
Classification: Pathogenic for Cardiac, facial, and digital anomalies with developmental delay. Last evaluated: 2023-11-30. Review status: no assertion criteria provided. Collection method: clinical testing. Allele origin: de novo. Inheritance: Autosomal dominant inheritance. Affected: yes. Observed: 1 heterozygote. Not counted in ClinVar's aggregate classification.